The following is an entry in ClinVar:

NM_001289125.3(IFNAR2):c.1468T>C (p.Trp490Arg)

Genes: IFNAR2 (interferon alpha and beta receptor subunit 2; plus strand), IFNAR2-IL10RB (IFNAR2-IL10RB readthrough; plus strand). Cytogenetic location: 21q22.11.
Variant type: single nucleotide variant.
Coding change: c.1468T>C on transcript NM_001289125.3 (MANE Select); coding-DNA position 1468, T replaced by C.
Protein change: p.Trp490Arg; replaces tryptophan 490 with arginine.
Molecular consequence: missense variant. On other transcripts: 3 prime UTR variant (5), intron variant (1).
Genome position (GRCh38, 1-based): chr21:33,263,420, T>C. VCF-style: chr21-33263420-T-C. GRCh37 (hg19) VCF-style: chr21-34635725-T-C.
Other names: c.*704T>C (NM_000874.5, NM_207584.3); c.*617T>C (NM_001289126.2, NM_001289128.2); c.*843T>C (NM_001385054.1); c.1468T>C, p.Trp490Arg (NM_207585.3); c.1318+150T>C (NM_001385055.1); c.1468T>C (NM_207585.1); short protein forms W490R.
Identifiers: ClinVar variation 1351758 (VCV001351758.4), dbSNP rs1308703058, ClinGen allele CA410106235.

ClinVar aggregate classification (germline): Uncertain significance. Review status: criteria provided, multiple submitters, no conflicts (2 of 4 stars). 2 submissions from 2 submitters: Uncertain significance (2). Last evaluated 2022-06-24.

Allele frequency attached by ClinVar (database versions not stated): gnomAD 0.00001; gnomAD exomes 0.00001; TOPMed 0.00001.
gnomAD v4.1: 4 of 1,613,920 alleles (0.00025%); highest among the groups gnomAD compares: Admixed American, 0.005%; no homozygotes.

Submissions (2):

Ambry Genetics
Classification: Uncertain significance. Last evaluated: 2022-06-24. Review status: criteria provided, single submitter. Criteria: Ambry Variant Classification Scheme 2023. Collection method: clinical testing. Allele origin: germline.

Labcorp Genetics (formerly Invitae), Labcorp
Classification: Uncertain significance. Last evaluated: 2021-08-26. Review status: criteria provided, single submitter. Criteria: Invitae Variant Classification Sherloc (09022015). Collection method: clinical testing. Allele origin: germline.
Comment: This sequence change replaces tryptophan with arginine at codon 490 of the IFNAR2 protein (p.Trp490Arg). The tryptophan residue is weakly conserved and there is a moderate physicochemical difference between tryptophan and arginine. This variant is not present in population databases (ExAC no frequency). This variant has not been reported in the literature in individuals affected with IFNAR2-related conditions. Algorithms developed to predict the effect of missense changes on protein structure and function output the following: SIFT: "Tolerated"; PolyPhen-2: "Benign"; Align-GVGD: "Class C0". The arginine amino acid residue is found in multiple mammalian species, which suggests that this missense change does not adversely affect protein function. In summary, the available evidence is currently insufficient to determine the role of this variant in disease. Therefore, it has been classified as a Variant of Uncertain Significance.